The following is an entry in ClinVar:

NM_020738.4(KIDINS220):c.4255G>C (p.Gly1419Arg)

Gene: KIDINS220 (kinase D interacting substrate 220; minus strand). Cytogenetic location: 2p25.1.
Variant type: single nucleotide variant.
Coding change: c.4255G>C on transcript NM_020738.4 (MANE Select); coding-DNA position 4255, G replaced by C.
Protein change: p.Gly1419Arg; replaces glycine 1419 with arginine.
Molecular consequence: missense variant. On other transcripts: intron variant (6).
Genome position (GRCh38, 1-based): chr2:8,731,781, C>G on the plus strand (G>C on the coding strand, the complement: KIDINS220 is on the minus strand). VCF-style: chr2-8731781-C-G. GRCh37 (hg19) VCF-style: chr2-8871911-C-G.
Other names: c.4255G>C (NM_020738.2); c.4258G>C, p.Gly1420Arg (NM_001348729.2); c.4201G>C, p.Gly1401Arg (NM_001348731.2); c.4198G>C, p.Gly1400Arg (NM_001348732.2); c.4087G>C, p.Gly1363Arg (NM_001348734.2); c.4084G>C, p.Gly1362Arg (NM_001348735.2); c.3958G>C, p.Gly1320Arg (NM_001348736.2); c.3882+1663G>C (NM_001348741.2, NM_001348742.2, NM_001348743.2); and 2 more; short protein forms G1419R, G1400R, G1420R, G1320R, G1362R, G1363R, G1401R.
Identifiers: ClinVar variation 2198242 (VCV002198242.29), dbSNP rs372241002, ClinGen allele CA1519396.
Genomic context (GRCh38, chr2:8,731,781, plus strand): 5'-TATCCTTCCCCTTTTCTTGCTCTAGGTTTGAATGAATAGAGCCCCCTGATGAACTCTGAC[C>G]CATGTAATATGTGCTATGTGGAGAAGATCTGCCACTAATGGTTGTAGACCCGGGGCCCCC-3'
Protein context (NP_065789.1, residues 1409-1429): RSSPHSTYYM[Gly1419Arg]QSSSGGSIHS

ClinVar aggregate classification (germline): Uncertain significance. Review status: criteria provided, multiple submitters, no conflicts (2 of 4 stars). 3 submissions from 3 submitters: Uncertain significance (3). Last evaluated 2026-04-15.

Conditions:
KIDINS220-related disorder. Also called: KIDINS220-related condition.

Allele frequency attached by ClinVar (database versions not stated): gnomAD 0.00001; ExAC 0.00002; gnomAD exomes 0.00002; ESP Exome Variant Server 0.00008.
gnomAD v4.1: 34 of 1,613,982 alleles (0.0021%); highest among the groups gnomAD compares: Admixed American, 0.0033%; no homozygotes.

Submissions (3):

PreventionGenetics, part of Exact Sciences
Classification: Uncertain significance for KIDINS220-related condition. Last evaluated: 2026-04-15. Review status: criteria provided, single submitter. Criteria: ACMG Guidelines, 2015. Collection method: clinical testing. Allele origin: germline.
Comment: The KIDINS220 c.4255G>C variant is predicted to result in the amino acid substitution p.Gly1419Arg. To our knowledge, this variant has not been reported in the literature in KIDINS220-related disorders. This variant is reported in 0.0044% of alleles in individuals of European (Non-Finnish) descent in gnomAD. At this time, the clinical significance of this variant is uncertain due to the absence of conclusive functional and genetic evidence.

Labcorp Genetics (formerly Invitae), Labcorp
Classification: Uncertain significance. Last evaluated: 2024-11-27. Review status: criteria provided, single submitter. Criteria: Invitae Variant Classification Sherloc (09022015). Collection method: clinical testing. Allele origin: germline.
Comment: This sequence change replaces glycine, which is neutral and non-polar, with arginine, which is basic and polar, at codon 1419 of the KIDINS220 protein (p.Gly1419Arg). This variant is present in population databases (rs372241002, gnomAD 0.004%). This variant has not been reported in the literature in individuals affected with KIDINS220-related conditions. ClinVar contains an entry for this variant (Variation ID: 2198242). An algorithm developed to predict the effect of missense changes on protein structure and function (PolyPhen-2) suggests that this variant is likely to be disruptive. In summary, the available evidence is currently insufficient to determine the role of this variant in disease. Therefore, it has been classified as a Variant of Uncertain Significance.

CeGaT Center for Human Genetics Tuebingen
Classification: Uncertain significance. Last evaluated: 2023-04-01. Review status: criteria provided, single submitter. Criteria: CeGaT Center For Human Genetics Tuebingen Variant Classification Criteria Version 2. Collection method: clinical testing. Allele origin: germline. Affected: yes. Observed: 1 variant allele.
Comment: KIDINS220: PM2, BP1